The following is an entry in ClinVar:

ClinVar aggregate classification (germline): Uncertain significance (1 of 4 stars; one submission).

Allele frequency attached by ClinVar (database versions not stated): gnomAD exomes below 0.00001.
gnomAD v4.1: 3 of 1,613,892 alleles (0.00019%); highest among the groups gnomAD compares: East Asian, 0.0045%; no homozygotes.

Submission:

GeneDx
Classification: Uncertain significance. Last evaluated: 2015-05-05. Review status: criteria provided, single submitter. Criteria: GeneDx Variant Classification (06012015). Collection method: clinical testing. Allele origin: germline. Affected: yes.
Comment: c.29560+5 G>A: IVS106+5 G>A in intron 106 of the TTN gene (NM_001256850.1). Truncating mutations in the TTN gene are expected to account for approximately 25% of familial and 18% of sporadic idiopathic DCM (Herman D et al., 2012). However, truncating variants in the TTN gene have been reported in approximately 3% of reported control alleles (Herman D et al., 2012). TTN mutations may also be associated with congenital cardiac and skeletal myopathies, hereditary myopathy with early respiratory failure, tibial muscular dystrophy, and limb-girdle muscular dystrophy (Lange S et al., 2005; Hackman P et al., 2002; Carmignac V et al., 2007; Hackman P et al., 2008). The c.29560+5 G>A variant has not been published as a mutation, nor has it been reported as a benign polymorphism to our knowledge. In silico analysis using several splice algorithms predicts that c.29560+5 G>A significantly reduces the efficiency or completely abolishes the canonical splice donor site in intron 106 and is predicted to cause abnormal gene splicing. The mutation is predicted to lead to either an abnormal message that is subject to nonsense-mediated mRNA decay, or to an abnormal protein product if the message is used for protein translation. This substitution occurs at a residue that is conserved across species. However, c.29560+5 G>A is not located in the A band region of titin, where the majority of truncating mutations associated with DCM have been reported (Herman D et al., 2012). Therefore, based on the currently available information, it is unclear whether this variant is a pathogenic mutation or a rare benign variant. The variant is found in DCM-CRDM panel(s).

NM_001267550.2(TTN):c.30511+5G>A

Gene: TTN (titin; minus strand). Cytogenetic location: 2q31.2.
Variant type: single nucleotide variant.
Coding change: c.30511+5G>A on transcript NM_001267550.2 (MANE Select); 5 bases into the intron after coding-DNA position 30511, G replaced by A.
Molecular consequence: intron variant.
Genome position (GRCh38, 1-based): chr2:178,702,163, C>T on the plus strand (G>A on the coding strand, the complement: TTN is on the minus strand). VCF-style: chr2-178702163-C-T. GRCh37 (hg19) VCF-style: chr2-179566890-C-T.
Other names: c.13858+35919G>A (NM_133437.4); c.13657+35919G>A (NM_133432.3); c.26779+5G>A (NM_133378.4); c.29560+5G>A (NM_001256850.1); c.13282+35919G>A (NM_003319.4).
Identifiers: ClinVar variation 202357 (VCV000202357.4), dbSNP rs794729255, ClinGen allele CA309192.